The following is an entry in ClinVar:

NM_004304.5(ALK):c.4286A>C (p.Gln1429Pro)

Gene: ALK (ALK receptor tyrosine kinase; minus strand). Cytogenetic location: 2p23.2.
Variant type: single nucleotide variant.
Coding change: c.4286A>C on transcript NM_004304.5 (MANE Select); coding-DNA position 4286, A replaced by C.
Protein change: p.Gln1429Pro; replaces glutamine 1429 with proline.
Molecular consequence: missense variant.
Genome position (GRCh38, 1-based): chr2:29,193,801, T>G on the plus strand (A>C on the coding strand, the complement: ALK is on the minus strand). VCF-style: chr2-29193801-T-G. GRCh37 (hg19) VCF-style: chr2-29416667-T-G.
Other names: c.1082A>C, p.Gln361Pro (NM_001353765.2); short protein forms Q1429P, Q361P.
Identifiers: ClinVar variation 1054066 (VCV001054066.10), dbSNP rs55906201, ClinGen allele CA346462794.
Genomic context (GRCh38, chr2:29,193,801, plus strand): 5'-GAGGAGGTGGTAGGCAGAGGTGGTGGGGCAGCTGGGCTGCGCTCCTCCTCCCGTTTTGCC[T>G]GTTGAGAGACCAGGAGAGGAGGAACCCCCTCAGGGTCCTTGGGCCTCACAGGCACTTTCT-3'
Protein context (NP_004295.2, residues 1419-1439): EGVPPLLVSQ[Gln1429Pro]AKREEERSPA

ClinVar aggregate classification (germline): Uncertain significance. Review status: criteria provided, multiple submitters, no conflicts (2 of 4 stars). 2 submissions from 2 submitters: Uncertain significance (2). Last evaluated 2025-07-02.

Conditions:
Hereditary cancer-predisposing syndrome. Also called: Hereditary Cancer Syndrome; Tumor predisposition; Hereditary neoplastic syndrome; Neoplastic Syndromes, Hereditary. Identifiers: Orphanet 140162, MedGen C0027672, MeSH D009386, MONDO:0015356.
Neuroblastoma, susceptibility to, 3. Also called: ALK-Related Neuroblastic Tumor Susceptibility. Identifiers: Orphanet 635, MedGen C2751681, MONDO:0013083, OMIM 613014.

Allele frequency attached by ClinVar (database versions not stated): TOPMed below 0.00001; gnomAD 0.00001.
gnomAD v4.1: 3 of 1,598,410 alleles (0.00019%); highest among the groups gnomAD compares: Non-Finnish European, 0.00026%; no homozygotes.

Submissions (2):

Labcorp Genetics (formerly Invitae), Labcorp
Classification: Uncertain significance for Neuroblastoma, susceptibility to, 3. Last evaluated: 2025-07-02. Review status: criteria provided, single submitter. Criteria: Invitae Variant Classification Sherloc (09022015). Collection method: clinical testing. Allele origin: germline.
Comment: This sequence change replaces glutamine, which is neutral and polar, with proline, which is neutral and non-polar, at codon 1429 of the ALK protein (p.Gln1429Pro). This variant is present in population databases (no rsID available, gnomAD 0.007%). This variant has not been reported in the literature in individuals affected with ALK-related conditions. ClinVar contains an entry for this variant (Variation ID: 1054066). An algorithm developed to predict the effect of missense changes on protein structure and function outputs the following: PolyPhen-2: "Benign". The proline amino acid residue is found in multiple mammalian species, which suggests that this missense change does not adversely affect protein function. In summary, the available evidence is currently insufficient to determine the role of this variant in disease. Therefore, it has been classified as a Variant of Uncertain Significance.

Ambry Genetics
Classification: Uncertain significance for Hereditary cancer-predisposing syndrome. Last evaluated: 2024-05-29. Review status: criteria provided, single submitter. Criteria: Ambry Variant Classification Scheme 2023. Collection method: clinical testing. Allele origin: germline.
Comment: The p.Q1429P variant (also known as c.4286A>C), located in coding exon 29 of the ALK gene, results from an A to C substitution at nucleotide position 4286. The glutamine at codon 1429 is replaced by proline, an amino acid with similar properties. This amino acid position is conserved. In addition, this alteration is predicted to be tolerated by in silico analysis. Since supporting evidence is limited at this time, the clinical significance of this alteration remains unclear.